The following is an entry in ClinVar:

ClinVar aggregate classification (germline): Uncertain significance (1 of 4 stars; one submission).

Conditions:
Epidermolysis bullosa simplex 5B, with muscular dystrophy (EBS5B). Also called: Epidermolysis bullosa simplex with muscular dystrophy; EPIDERMOLYSIS BULLOSA SIMPLEX AND LIMB-GIRDLE MUSCULAR DYSTROPHY. Identifiers: Orphanet 257, MedGen C2931072, MONDO:0009181, OMIM 226670.
Epidermolysis bullosa simplex, Ogna type (EBS5A). Also called: EPIDERMOLYSIS BULLOSA SIMPLEX 5A, OGNA TYPE; Pidermolysis bullosa simplex 5A, Ogna type. Identifiers: Orphanet 79401, MedGen C0432317, MONDO:0007555, OMIM 131950.
Epidermolysis bullosa simplex 5C, with pyloric atresia (EBS5C). Also called: PLEC-Related Epidermolysis Bullosa with Pyloric Atresia; Epidermolysis bullosa simplex with pyloric atresia; PLEC1-Related Epidermolysis Bullosa with Pyloric Atresia. Identifiers: Orphanet 158684, MedGen C2677349, MONDO:0012807, OMIM 612138.
Epidermolysis bullosa simplex with nail dystrophy (EBS5D). Identifiers: MedGen C4225309, MONDO:0014661, OMIM 616487.
Autosomal recessive limb-girdle muscular dystrophy type 2Q (LGMDR17). Also called: MUSCULAR DYSTROPHY, LIMB-GIRDLE, AUTOSOMAL RECESSIVE 17. Identifiers: Orphanet 254361, MedGen C3150989, MONDO:0013390, OMIM 613723.

Submission:

Labcorp Genetics (formerly Invitae), Labcorp
Classification: Uncertain significance for Autosomal recessive limb-girdle muscular dystrophy type 2Q; Epidermolysis bullosa simplex, Ogna type; Epidermolysis bullosa simplex with nail dystrophy; Epidermolysis bullosa simplex 5C, with pyloric atresia; Epidermolysis bullosa simplex 5B, with muscular dystrophy. Last evaluated: 2022-01-17. Review status: criteria provided, single submitter. Criteria: Invitae Variant Classification Sherloc (09022015). Collection method: clinical testing. Allele origin: germline.
Comment: In summary, the available evidence is currently insufficient to determine the role of this variant in disease. Therefore, it has been classified as a Variant of Uncertain Significance. Algorithms developed to predict the effect of missense changes on protein structure and function output the following: SIFT: "Tolerated"; PolyPhen-2: "Possibly Damaging"; Align-GVGD: "Class C0". The methionine amino acid residue is found in multiple mammalian species, which suggests that this missense change does not adversely affect protein function. This variant has not been reported in the literature in individuals affected with PLEC-related conditions. This variant is not present in population databases (gnomAD no frequency). This sequence change replaces valine, which is neutral and non-polar, with methionine, which is neutral and non-polar, at codon 2416 of the PLEC protein (p.Val2416Met).

NM_201384.3(PLEC):c.7165G>A (p.Val2389Met)

Gene: PLEC (plectin; minus strand). Cytogenetic location: 8q24.3.
Variant type: single nucleotide variant.
Coding change: c.7165G>A on transcript NM_201384.3 (MANE Select); coding-DNA position 7165, G replaced by A.
Protein change: p.Val2389Met; replaces valine 2389 with methionine.
Molecular consequence: missense variant.
Genome position (GRCh38, 1-based): chr8:143,922,764, C>T on the plus strand (G>A on the coding strand, the complement: PLEC is on the minus strand). VCF-style: chr8-143922764-C-T. GRCh37 (hg19) VCF-style: chr8-144996932-C-T.
Other names: c.7177G>A, p.Val2393Met (NM_201383.3); c.7246G>A, p.Val2416Met (NM_000445.5); c.7123G>A, p.Val2375Met (NM_201378.4); c.7099G>A, p.Val2367Met (NM_201379.3); c.7576G>A, p.Val2526Met (NM_201380.4); c.7069G>A, p.Val2357Met (NM_201381.3); c.7165G>A, p.Val2389Met (NM_201382.4); short protein forms V2375M, V2416M, V2357M, V2367M, V2389M, V2393M, V2526M.
Identifiers: ClinVar variation 1921033 (VCV001921033.5), dbSNP rs2537643767, ClinGen allele CA372529366.
Genomic context (GRCh38, chr8:143,922,764, plus strand): 5'-GCTTCCGGAAGCGCTGGGCGTCCTCCTCAGCGCGGGCCTGGGCTCGGCTCATCTCGGCCA[C>T]ACGCAGCTTGAGGCGCTCAGCCTCAGCGCTCATCTCCAGCTGCCGCTGCCGCTCGGCCTC-3'
Protein context (NP_958786.1, residues 2379-2399): SAEAERLKLR[Val2389Met]AEMSRAQARA